The following is an entry in ClinVar:

ClinVar aggregate classification (germline): Uncertain significance (1 of 4 stars; one submission).

Conditions:
Symmetrical dyschromatosis of extremities (DSH). Also called: RETICULATE ACROPIGMENTATION OF DOHI; SYMMETRIC DYSCHROMATOSIS OF THE EXTREMITIES; Dyschromatosis symmetrica hereditaria; DYSCHROMATOSIS SYMMETRICA HEREDITARIA 1. Identifiers: Orphanet 41, MedGen C0406775, MONDO:0007483, OMIM 127400.
Aicardi-Goutieres syndrome 6 (AGS6). Identifiers: Orphanet 51, MedGen C3539013, MONDO:0014007, OMIM 615010.

gnomAD v4.1: 1 of 1,614,054 alleles (0.000062%); highest among the groups gnomAD compares: African/African-American, 0.0013%; no homozygotes.

Submission:

Labcorp Genetics (formerly Invitae), Labcorp
Classification: Uncertain significance for Aicardi-Goutieres syndrome 6; Symmetrical dyschromatosis of extremities. Last evaluated: 2023-04-11. Review status: criteria provided, single submitter. Criteria: Invitae Variant Classification Sherloc (09022015). Collection method: clinical testing. Allele origin: germline.
Comment: In summary, the available evidence is currently insufficient to determine the role of this variant in disease. Therefore, it has been classified as a Variant of Uncertain Significance. Advanced modeling of protein sequence and biophysical properties (such as structural, functional, and spatial information, amino acid conservation, physicochemical variation, residue mobility, and thermodynamic stability) performed at Invitae indicates that this missense variant is not expected to disrupt ADAR protein function. ClinVar contains an entry for this variant (Variation ID: 2054033). This variant has not been reported in the literature in individuals affected with ADAR-related conditions. This variant is not present in population databases (gnomAD no frequency). This sequence change replaces aspartic acid, which is acidic and polar, with glutamic acid, which is acidic and polar, at codon 1093 of the ADAR protein (p.Asp1093Glu).

NM_001111.5(ADAR):c.3279T>G (p.Asp1093Glu)

Gene: ADAR (adenosine deaminase RNA specific; minus strand). Cytogenetic location: 1q21.3.
Variant type: single nucleotide variant.
Coding change: c.3279T>G on transcript NM_001111.5 (MANE Select); coding-DNA position 3279, T replaced by G.
Protein change: p.Asp1093Glu; replaces aspartic acid 1093 with glutamic acid.
Molecular consequence: missense variant.
Genome position (GRCh38, 1-based): chr1:154,585,789, A>C on the plus strand (T>G on the coding strand, the complement: ADAR is on the minus strand). VCF-style: chr1-154585789-A-C. GRCh37 (hg19) VCF-style: chr1-154558265-A-C.
Other names: c.2394T>G, p.Asp798Glu (NM_001025107.3, NM_001193495.2, NM_001365046.1 and 2 more transcripts); c.3306T>G, p.Asp1102Glu (NM_001365045.1); c.2316T>G, p.Asp772Glu (NM_001365049.1); c.3201T>G, p.Asp1067Glu (NM_015840.4); c.3144T>G, p.Asp1048Glu (NM_015841.4); short protein forms D772E, D1067E, D1102E, D1048E, D1093E, D798E.
Identifiers: ClinVar variation 2054033 (VCV002054033.4), dbSNP rs1696719005, ClinGen allele CA342635325.